The following is an entry in ClinVar:

NM_000814.6(GABRB3):c.1189A>C (p.Asn397His)

Gene: GABRB3 (gamma-aminobutyric acid type A receptor subunit beta3; minus strand). Cytogenetic location: 15q12.
Variant type: single nucleotide variant.
Coding change: c.1189A>C on transcript NM_000814.6 (MANE Select); coding-DNA position 1189, A replaced by C.
Protein change: p.Asn397His; replaces asparagine 397 with histidine.
Molecular consequence: missense variant.
Genome position (GRCh38, 1-based): chr15:26,548,026, T>G on the plus strand (A>C on the coding strand, the complement: GABRB3 is on the minus strand). VCF-style: chr15-26548026-T-G. GRCh37 (hg19) VCF-style: chr15-26793173-T-G.
Other names: c.934A>C, p.Asn312His (NM_001191320.2, NM_001278631.2); c.976A>C, p.Asn326His (NM_001191321.3); c.1189A>C, p.Asn397His (NM_021912.5); short protein forms N312H, N326H, N397H.
Identifiers: ClinVar variation 2501408 (VCV002501408.2), dbSNP rs2140645663, ClinGen allele CA391459071.

ClinVar aggregate classification (germline): Uncertain significance (1 of 4 stars; one submission).

gnomAD v4.1: 1 of 1,614,186 alleles (0.000062%); highest among the groups gnomAD compares: Non-Finnish European, 0.000085%; no homozygotes.

Submission:

GeneDx
Classification: Uncertain significance. Last evaluated: 2024-06-08. Review status: criteria provided, single submitter. Criteria: GeneDx Variant Classification Process June 2021. Collection method: clinical testing. Allele origin: germline. Affected: yes.
Comment: Not observed at significant frequency in large population cohorts (gnomAD); In silico analysis indicates that this missense variant does not alter protein structure/function; Has not been previously published as pathogenic or benign to our knowledge